The following is an entry in ClinVar:

NM_001330700.2(TOP2B):c.4508C>T (p.Thr1503Ile)

Gene: TOP2B (DNA topoisomerase II beta; minus strand). Cytogenetic location: 3p24.2.
Variant type: single nucleotide variant.
Coding change: c.4508C>T on transcript NM_001330700.2 (MANE Select); coding-DNA position 4508, C replaced by T.
Protein change: p.Thr1503Ile; replaces threonine 1503 with isoleucine.
Molecular consequence: missense variant.
Genome position (GRCh38, 1-based): chr3:25,601,207, G>A on the plus strand (C>T on the coding strand, the complement: TOP2B is on the minus strand). VCF-style: chr3-25601207-G-A. GRCh37 (hg19) VCF-style: chr3-25642698-G-A.
Other names: c.4493C>T, p.Thr1498Ile (NM_001068.3); c.4493C>T (NM_001068.2); short protein forms T1503I, T1498I.
Identifiers: ClinVar variation 1401805 (VCV001401805.8), dbSNP rs370334603, ClinGen allele CA71617686.

ClinVar aggregate classification (germline): Conflicting classifications of pathogenicity. Review status: criteria provided, conflicting classifications (1 of 4 stars). 3 submissions from 3 submitters: Uncertain significance (2); Likely benign (1). Last evaluated 2025-12-15.

Allele frequency attached by ClinVar (database versions not stated): gnomAD 0.00002; gnomAD exomes 0.00002 and 0.00003; TOPMed 0.00003; ESP Exome Variant Server 0.00017.
gnomAD v4.1: 49 of 1,613,086 alleles (0.003%); highest among the groups gnomAD compares: Non-Finnish European, 0.0042%; no homozygotes.

Submissions (3):

Labcorp Genetics (formerly Invitae), Labcorp
Classification: Uncertain significance. Last evaluated: 2025-12-15. Review status: criteria provided, single submitter. Criteria: Invitae Variant Classification Sherloc (09022015). Collection method: clinical testing. Allele origin: germline.
Comment: This sequence change replaces threonine, which is neutral and polar, with isoleucine, which is neutral and non-polar, at codon 1498 of the TOP2B protein (p.Thr1498Ile). This variant is present in population databases (rs370334603, gnomAD 0.005%). This variant has not been reported in the literature in individuals affected with TOP2B-related conditions. ClinVar contains an entry for this variant (Variation ID: 1401805). An algorithm developed to predict the effect of missense changes on protein structure and function outputs the following: PolyPhen-2: "Benign". The isoleucine amino acid residue is found in multiple mammalian species, which suggests that this missense change does not adversely affect protein function. In summary, the available evidence is currently insufficient to determine the role of this variant in disease. Therefore, it has been classified as a Variant of Uncertain Significance.

Ambry Genetics
Classification: Uncertain significance. Last evaluated: 2025-05-17. Review status: criteria provided, single submitter. Criteria: Ambry Variant Classification Scheme 2023. Collection method: clinical testing. Allele origin: germline.

Blueprint Genetics
Classification: Likely benign. Last evaluated: 2023-08-04. Review status: criteria provided, single submitter. Criteria: ACMG Guidelines, 2015. Collection method: clinical testing. Allele origin: germline.